The following is an entry in ClinVar:

ClinVar aggregate classification (germline): Uncertain significance (1 of 4 stars; one submission).

Conditions:
Inborn genetic diseases. Identifiers: MedGen C0950123, MeSH D030342.

gnomAD v4.1: 1 of 1,613,724 alleles (0.000062%); highest among the groups gnomAD compares: South Asian, 0.0011%; no homozygotes.

Submission:

Ambry Genetics
Classification: Uncertain significance for Inborn genetic diseases. Last evaluated: 2026-05-14. Review status: criteria provided, single submitter. Criteria: Ambry Variant Classification Scheme 2023. Collection method: clinical testing. Allele origin: germline.
Comment: The p.L1188P variant (also known as c.3563T>C), located in coding exon 24 of the ANKRD26 gene, results from a T to C substitution at nucleotide position 3563. The leucine at codon 1188 is replaced by proline, an amino acid with similar properties. This amino acid position is conserved. In addition, this alteration is predicted to be tolerated by in silico analysis. Based on the available evidence, the clinical significance of this variant remains unclear.

NM_014915.3(ANKRD26):c.3563T>C (p.Leu1188Pro)

Gene: ANKRD26 (ankyrin repeat domain 26; minus strand). Cytogenetic location: 10p12.1.
Variant type: single nucleotide variant.
Coding change: c.3563T>C on transcript NM_014915.3 (MANE Select); coding-DNA position 3563, T replaced by C.
Protein change: p.Leu1188Pro; replaces leucine 1188 with proline.
Molecular consequence: missense variant.
Genome position (GRCh38, 1-based): chr10:27,034,887, A>G on the plus strand (T>C on the coding strand, the complement: ANKRD26 is on the minus strand). VCF-style: chr10-27034887-A-G. GRCh37 (hg19) VCF-style: chr10-27323816-A-G.
Other names: c.3560T>C, p.Leu1187Pro (NM_001256053.2); short protein forms L1187P, L1188P.
Identifiers: ClinVar variation 4859777 (VCV004859777.1).